The following is an entry in ClinVar:

NM_000285.4(PEPD):c.376G>A (p.Val126Ile)

Gene: PEPD (peptidase D; minus strand). Cytogenetic location: 19q13.11.
Variant type: single nucleotide variant.
Coding change: c.376G>A on transcript NM_000285.4 (MANE Select); coding-DNA position 376, G replaced by A.
Protein change: p.Val126Ile; replaces valine 126 with isoleucine.
Molecular consequence: missense variant. On other transcripts: intron variant (1).
Genome position (GRCh38, 1-based): chr19:33,500,955, C>T on the plus strand (G>A on the coding strand, the complement: PEPD is on the minus strand). VCF-style: chr19-33500955-C-T. GRCh37 (hg19) VCF-style: chr19-33991861-C-T.
Other names: c.376G>A, p.Val126Ile (NM_001166056.2); c.202-7618G>A (NM_001166057.2); short protein forms V126I.
Identifiers: ClinVar variation 1028669 (VCV001028669.10), dbSNP rs770981490, ClinGen allele CA9364393.

ClinVar aggregate classification (germline): Uncertain significance. Review status: criteria provided, multiple submitters, no conflicts (2 of 4 stars). 4 submissions from 4 submitters: Uncertain significance (4). Last evaluated 2024-10-05.

Conditions:
Prolidase deficiency. Identifiers: Orphanet 742, MedGen C0268532, MONDO:0008221, OMIM 170100.

Allele frequency attached by ClinVar (database versions not stated): gnomAD 0.00001; TOPMed 0.00001; gnomAD exomes 0.00002; ExAC 0.00003.
gnomAD v4.1: 16 of 1,602,604 alleles (0.001%); highest among the groups gnomAD compares: Admixed American, 0.0017%; no homozygotes.

Submissions (4):

Labcorp Genetics (formerly Invitae), Labcorp
Classification: Uncertain significance. Last evaluated: 2024-10-05. Review status: criteria provided, single submitter. Criteria: Invitae Variant Classification Sherloc (09022015). Collection method: clinical testing. Allele origin: germline.
Comment: This sequence change replaces valine, which is neutral and non-polar, with isoleucine, which is neutral and non-polar, at codon 126 of the PEPD protein (p.Val126Ile). This variant is present in population databases (rs770981490, gnomAD 0.005%). This variant has not been reported in the literature in individuals affected with PEPD-related conditions. ClinVar contains an entry for this variant (Variation ID: 1028669). Invitae Evidence Modeling of protein sequence and biophysical properties (such as structural, functional, and spatial information, amino acid conservation, physicochemical variation, residue mobility, and thermodynamic stability) indicates that this missense variant is not expected to disrupt PEPD protein function with a negative predictive value of 95%. In summary, the available evidence is currently insufficient to determine the role of this variant in disease. Therefore, it has been classified as a Variant of Uncertain Significance.

Blueprint Genetics
Classification: Uncertain significance. Last evaluated: 2023-08-03. Review status: criteria provided, single submitter. Criteria: ACMG Guidelines, 2015. Collection method: clinical testing. Allele origin: germline.

Baylor Genetics
Classification: Uncertain significance for Prolidase deficiency. Last evaluated: 2020-09-19. Review status: criteria provided, single submitter. Criteria: ACMG Guidelines, 2015. Collection method: clinical testing. Allele origin: unknown. Affected: yes.
Comment: This variant was determined to be of uncertain significance according to ACMG Guidelines, 2015 [PMID:25741868].

Daryl Scott Lab, Baylor College of Medicine
Classification: Uncertain significance for Prolidase deficiency. Review status: criteria provided, single submitter. Criteria: ACMG Guidelines, 2015. Collection method: clinical testing. Allele origin: unknown. Affected: yes.
Comment: PM2